The following is an entry in ClinVar:

ClinVar aggregate classification (germline): Uncertain significance. Review status: criteria provided, single submitter (1 of 4 stars). 2 submissions from 2 submitters: Uncertain significance (1). 1 of the submissions does not count toward it. Last evaluated 2025-12-15.

Conditions:
HEMOGLOBIN ROSEAU-POINTE A PITRE.

Submissions (2):

Women's Health and Genetics/Laboratory Corporation of America, LabCorp
Classification: Uncertain significance. Last evaluated: 2025-12-15. Review status: criteria provided, single submitter. Criteria: LabCorp Variant Classification Summary - May 2015. Collection method: clinical testing. Allele origin: germline.
Comment: Variant summary: HBB c.272A>G (p.Glu91Gly), also mentioned as Hb Roseau-Pointe a Pitre, results in a non-conservative amino acid change in the encoded protein sequence. Algorithms developed to predict the effect of missense changes on protein structure and function all suggest that this variant is likely to be disruptive. The variant was absent in 251422 control chromosomes. The available data on variant occurrences in the general population are insufficient to allow any conclusion about variant significance. c.272A>G has been observed in at-least one neonate with severe microcytic anemia (Merault_1985). These data do not allow any conclusion about variant significance. A different variant affecting the same codon has been classified as pathogenic by our lab (c.273G>C, p.Glu91Asp), supporting the critical relevance of codon 91 to HBB protein function. To our knowledge, no experimental evidence demonstrating an impact on protein function has been reported. The following publication has been ascertained in the context of this evaluation (PMID: 3838727). ClinVar contains an entry for this variant (Variation ID: 15330). Based on the evidence outlined above, the variant was classified as VUS-possibly pathogenic.

OMIM
Classification: other for HEMOGLOBIN ROSEAU-POINTE A PITRE. Last evaluated: 2017-12-12. Review status: no assertion criteria provided. Collection method: literature only. Allele origin: germline. Not counted in ClinVar's aggregate classification.

Literature cited by the submitters: PubMed 3838727 (cited by Women's Health and Genetics/Laboratory Corporation of America, LabCorp and OMIM).

NM_000518.5(HBB):c.272A>G (p.Glu91Gly)

Genes: HBB (hemoglobin subunit beta; minus strand), LOC106099062 (HBB recombination region; plus strand), LOC107133510 (origin of replication at HBB; plus strand). Cytogenetic location: 11p15.4.
Variant type: single nucleotide variant.
Coding change: c.272A>G on transcript NM_000518.5 (MANE Select); coding-DNA position 272, A replaced by G.
Protein change: p.Glu91Gly; replaces glutamic acid 91 with glycine.
Molecular consequence: missense variant.
Genome position (GRCh38, 1-based): chr11:5,226,620, T>C on the plus strand (A>G on the coding strand, the complement: HBB is on the minus strand). VCF-style: chr11-5226620-T-C. GRCh37 (hg19) VCF-style: chr11-5247850-T-C.
Other names: E90G; short protein forms E91G.
Identifiers: ClinVar variation 15330 (VCV000015330.3), dbSNP rs35068498, ClinGen allele CA125132.